The following is an entry in ClinVar:

ClinVar aggregate classification (germline): Uncertain significance (1 of 4 stars; one submission).

Allele frequency attached by ClinVar (database versions not stated): TOPMed below 0.00001; gnomAD 0.00001.

Submission:

Labcorp Genetics (formerly Invitae), Labcorp
Classification: Uncertain significance. Last evaluated: 2023-10-22. Review status: criteria provided, single submitter. Criteria: Invitae Variant Classification Sherloc (09022015). Collection method: clinical testing. Allele origin: germline.
Comment: This sequence change affects codon 1026 of the COL18A1 mRNA. It is a 'silent' change, meaning that it does not change the encoded amino acid sequence of the COL18A1 protein. This variant also falls at the last nucleotide of exon 36, which is part of the consensus splice site for this exon. This variant is present in population databases (no rsID available, gnomAD 0.009%). This variant has not been reported in the literature in individuals affected with COL18A1-related conditions. Variants that disrupt the consensus splice site are a relatively common cause of aberrant splicing (PMID: 17576681, 9536098). Algorithms developed to predict the effect of sequence changes on RNA splicing suggest that this variant is not likely to affect RNA splicing. In summary, the available evidence is currently insufficient to determine the role of this variant in disease. Therefore, it has been classified as a Variant of Uncertain Significance.

Literature cited by the submitters: PubMed 17576681; PubMed 9536098.

NM_001379500.1(COL18A1):c.3087G>A (p.Gly1029=)

Genes: COL18A1 (collagen type XVIII alpha 1 chain; plus strand), SLC19A1 (solute carrier family 19 member 1; minus strand). Cytogenetic location: 21q22.3.
Variant type: single nucleotide variant.
Coding change: c.3087G>A on transcript NM_001379500.1 (MANE Select); coding-DNA position 3087, G replaced by A.
Protein change: p.Gly1029=; no amino-acid change (glycine 1029 retained).
Molecular consequence: synonymous variant.
Genome position (GRCh38, 1-based): chr21:45,505,431, G>A. VCF-style: chr21-45505431-G-A. GRCh37 (hg19) VCF-style: chr21-46925345-G-A.
Other names: c.3618G>A, p.Gly1206= (NM_030582.4); c.4323G>A, p.Gly1441= (NM_130444.3).
Identifiers: ClinVar variation 2807590 (VCV002807590.3), dbSNP rs1197399770, ClinGen allele CA512687357.